The following is an entry in ClinVar:

ClinVar aggregate classification (germline): Likely pathogenic (1 of 4 stars; one submission).

Conditions:
Usher syndrome, type 1M. Identifiers: MedGen C5231434, MONDO:0032841, OMIM 618632.
Autosomal recessive nonsyndromic hearing loss 36. Also called: DEAFNESS, AUTOSOMAL RECESSIVE 36, WITH VESTIBULAR INVOLVEMENT; Deafness, autosomal recessive 36. Identifiers: Orphanet 90636, MedGen C1837007, MONDO:0012170, OMIM 609006.

Submission:

First Genomix Gene Laboratory, Genetic Diagnostics Department
Classification: Likely pathogenic for Autosomal recessive nonsyndromic hearing loss 36; Usher syndrome, type 1M. Last evaluated: 2025-09-04. Review status: criteria provided, single submitter. Criteria: ACMG Guidelines, 2015. Collection method: clinical testing. Allele origin: germline. Inheritance: Autosomal recessive inheritance. Affected: no. Observed: 1 variant allele.

NM_031475.3(ESPN):c.769_772dup (p.Trp258Ter)

Gene: ESPN (espin; plus strand). Cytogenetic location: 1p36.31.
Variant type: Duplication.
Coding change: c.769_772dup on transcript NM_031475.3 (MANE Select); coding-DNA positions 769 to 772, 4 bases duplicated (AGCT; older notation c.769_772dupAGCT).
Protein change: p.Trp258Ter; replaces tryptophan 258 with a stop codon.
Molecular consequence: nonsense.
Genome position (GRCh38, 1-based): chr1:6,440,719-6,440,722, AGCT duplicated. VCF-style (leftmost placement, unchanged base first): chr1-6440718-C-CAGCT. GRCh37 (hg19) VCF-style: chr1-6500778-C-CAGCT.
Other names: c.769_772dup, p.Trp258Ter (NM_001367473.1, NM_001367474.1); short protein forms W258*.
Identifiers: ClinVar variation 4850281 (VCV004850281.1).